The following is an entry in ClinVar:

NM_006147.4(IRF6):c.-75-4A>G

Gene: IRF6 (interferon regulatory factor 6; minus strand). Cytogenetic location: 1q32.2.
Variant type: single nucleotide variant.
Coding change: c.-75-4A>G on transcript NM_006147.4 (MANE Select); 4 bases into the intron before 75 bases upstream of the start codon, A replaced by G.
Molecular consequence: intron variant.
Genome position (GRCh38, 1-based): chr1:209,802,047, T>C on the plus strand (A>G on the coding strand, the complement: IRF6 is on the minus strand). VCF-style: chr1-209802047-T-C. GRCh37 (hg19) VCF-style: chr1-209975392-T-C.
Other names: c.-112+3900A>G (NM_001206696.2).
Identifiers: ClinVar variation 295215 (VCV000295215.16), dbSNP rs2235377, ClinGen allele CA10609627.
Genomic context (GRCh38, chr1:209,802,047, plus strand): 5'-GTGTGTCCACAGGGATCTGAAGAGTCGGCTTGTCTTTCCCTTGACCGCTCAAAGATTCTG[T>C]ATGGAGAAAAGGAGGGGTCTCAGCTGGCTATCCATACAACAATCCAGTGTCTGGGAGAAG-3'

ClinVar aggregate classification (germline): Benign. Review status: criteria provided, multiple submitters, no conflicts (2 of 4 stars). 5 submissions from 4 submitters: Benign (5). Last evaluated 2025-01-15.

Conditions:
Popliteal pterygium syndrome (PPS). Identifiers: Orphanet 294963, MedGen C0265259, MONDO:0017435.
Van der Woude syndrome. Identifiers: Orphanet 888, MedGen C0175697, MONDO:0019508.
Orofacial cleft 6, susceptibility to (OFC6). Also called: CLEFT LIP WITH OR WITHOUT CLEFT PALATE, NONSYNDROMIC, 6. Identifiers: MedGen C1837213, MONDO:0012141, OMIM 608864.
Van der Woude syndrome 1. Also called: CLEFT LIP AND/OR PALATE WITH MUCOUS CYSTS OF LOWER LIP; van der Woude Syndrome (VWS). Identifiers: MedGen C4551864, MONDO:0007333, OMIM 119300.

Allele frequency attached by ClinVar (database versions not stated): gnomAD 0.03786 and 0.04518; TOPMed 0.05743; 1000 Genomes Project 30x 0.12664; 1000 Genomes Project 0.13259.

Submissions (5):

Labcorp Genetics (formerly Invitae), Labcorp
Classification: Benign for Orofacial cleft 6, susceptibility to; Van der Woude syndrome; Popliteal pterygium syndrome. Last evaluated: 2025-01-15. Review status: criteria provided, single submitter. Criteria: Invitae Variant Classification Sherloc (09022015). Collection method: clinical testing. Allele origin: germline.

Illumina Laboratory Services, Illumina
Classification: Benign for Van der Woude syndrome 1. Last evaluated: 2018-01-13. Review status: criteria provided, single submitter. Criteria: ICSL Variant Classification Criteria 13 December 2019. Collection method: clinical testing. Allele origin: germline.
Comment: This variant was observed in the ICSL laboratory as part of a predisposition screen in an ostensibly healthy population. It had not been previously curated by ICSL or reported in the Human Gene Mutation Database (HGMD: prior to June 1st, 2018), and was therefore a candidate for classification through an automated scoring system. Utilizing variant allele frequency, disease prevalence and penetrance estimates, and inheritance mode, an automated score was calculated to assess if this variant is too frequent to cause the disease. Based on the score and internal cut-off values, a variant classified as benign is not then subjected to further curation. The score for this variant resulted in a classification of benign for this disease.

Illumina Laboratory Services, Illumina
Classification: Benign for Orofacial cleft 6, susceptibility to. Last evaluated: 2018-01-13. Review status: criteria provided, single submitter. Criteria: ICSL Variant Classification Criteria 13 December 2019. Collection method: clinical testing. Allele origin: germline.
Comment: the same text as in the submission from Illumina Laboratory Services, Illumina above.

GeneDx
Classification: Benign. Last evaluated: 2017-01-05. Review status: criteria provided, single submitter. Criteria: GeneDx Variant Classification (06012015). Collection method: clinical testing. Allele origin: germline. Affected: yes.
Comment: This variant is considered likely benign or benign based on one or more of the following criteria: it is a conservative change, it occurs at a poorly conserved position in the protein, it is predicted to be benign by multiple in silico algorithms, and/or has population frequency not consistent with disease.

Breakthrough Genomics
Classification: Benign. Review status: criteria provided, single submitter. Criteria: ACMG Guidelines, 2015. Collection method: not provided. Allele origin: germline. Inheritance: Autosomal dominant inheritance. Affected: yes.